The following is an entry in ClinVar:

NM_024656.4(COLGALT1):c.1387G>C (p.Asp463His)

Gene: COLGALT1 (collagen beta(1-O)galactosyltransferase 1; plus strand). Cytogenetic location: 19p13.11.
Variant type: single nucleotide variant.
Coding change: c.1387G>C on transcript NM_024656.4 (MANE Select); coding-DNA position 1387, G replaced by C.
Protein change: p.Asp463His; replaces aspartic acid 463 with histidine.
Molecular consequence: missense variant.
Genome position (GRCh38, 1-based): chr19:17,579,602, G>C. VCF-style: chr19-17579602-G-C. GRCh37 (hg19) VCF-style: chr19-17690411-G-C.
Other names: c.1387G>C (NM_024656.2); short protein forms D463H.
Identifiers: ClinVar variation 2010053 (VCV002010053.5), dbSNP rs552521030, ClinGen allele CA9297279.

ClinVar aggregate classification (germline): Uncertain significance. Review status: criteria provided, multiple submitters, no conflicts (2 of 4 stars). 2 submissions from 2 submitters: Uncertain significance (2). Last evaluated 2025-08-13.

Conditions:
Inborn genetic diseases. Identifiers: MedGen C0950123, MeSH D030342.

Allele frequency attached by ClinVar (database versions not stated): TOPMed below 0.00001; gnomAD exomes 0.00001; ExAC 0.00002; 1000 Genomes Project 30x 0.00016; 1000 Genomes Project 0.00020.
gnomAD v4.1: 18 of 1,588,668 alleles (0.0011%); highest among the groups gnomAD compares: Admixed American, 0.0017%; no homozygotes.

Submissions (2):

Ambry Genetics
Classification: Uncertain significance for Inborn genetic diseases. Last evaluated: 2025-08-13. Review status: criteria provided, single submitter. Criteria: Ambry Variant Classification Scheme 2023. Collection method: clinical testing. Allele origin: germline.

Labcorp Genetics (formerly Invitae), Labcorp
Classification: Uncertain significance. Last evaluated: 2022-06-24. Review status: criteria provided, single submitter. Criteria: Invitae Variant Classification Sherloc (09022015). Collection method: clinical testing. Allele origin: germline.
Comment: In summary, the available evidence is currently insufficient to determine the role of this variant in disease. Therefore, it has been classified as a Variant of Uncertain Significance. Algorithms developed to predict the effect of missense changes on protein structure and function are either unavailable or do not agree on the potential impact of this missense change (SIFT: "Not Available"; PolyPhen-2: "Probably Damaging"; Align-GVGD: "Not Available"). This variant has not been reported in the literature in individuals affected with COLGALT1-related conditions. This variant is present in population databases (rs552521030, gnomAD 0.007%). This sequence change replaces aspartic acid, which is acidic and polar, with histidine, which is basic and polar, at codon 463 of the COLGALT1 protein (p.Asp463His).